The following is an entry in ClinVar:

NM_007118.4(TRIO):c.5432A>C (p.Asp1811Ala)

Gene: TRIO (trio Rho guanine nucleotide exchange factor; plus strand). Cytogenetic location: 5p15.2.
Variant type: single nucleotide variant.
Coding change: c.5432A>C on transcript NM_007118.4 (MANE Select); coding-DNA position 5432, A replaced by C.
Protein change: p.Asp1811Ala; replaces aspartic acid 1811 with alanine.
Molecular consequence: missense variant. On other transcripts: non-coding transcript variant (1).
Genome position (GRCh38, 1-based): chr5:14,461,247, A>C. VCF-style: chr5-14461247-A-C. GRCh37 (hg19) VCF-style: chr5-14461356-A-C.
Other names: short protein forms D1811A.
Identifiers: ClinVar variation 4881049 (VCV004881049.2).

ClinVar aggregate classification (germline): Uncertain significance (1 of 4 stars; one submission).

Conditions:
Intellectual developmental disorder, autosomal dominant 63, with macrocephaly. Also called: MENTAL RETARDATION, AUTOSOMAL DOMINANT 63, WITH MACROCEPHALY. Identifiers: MedGen C5394205, MONDO:0032939, OMIM 618825.

Submission:

Dasa
Classification: Uncertain significance for Intellectual developmental disorder, autosomal dominant 63, with macrocephaly. Last evaluated: 2025-12-15. Review status: criteria provided, single submitter. Criteria: DASA Assertion Criteria. Collection method: clinical testing. Allele origin: germline.
Comment: NM_007118.4(TRIO):c.5432A>C (p.Asp1811Ala) is a missense variant that results in the substitution of aspartic acid with alanine. This variant is absent from population databases. The currently available literature and clinical evidence are not sufficient to establish a definitive association between this variant and the reported condition. Therefore, this variant is classified as a variant of uncertain significance.